The following is an entry in ClinVar:

ClinVar aggregate classification (germline): Pathogenic. Review status: reviewed by expert panel (3 of 4 stars). 15 submissions from 15 submitters: Pathogenic (1). 14 of the submissions do not count toward it. Last evaluated 2016-04-22.

Conditions:
Inherited prostate cancer.
Hereditary cancer-predisposing syndrome. Also called: Neoplastic Syndromes, Hereditary; Tumor predisposition; Hereditary neoplastic syndrome; Hereditary Cancer Syndrome. Identifiers: Orphanet 140162, MedGen C0027672, MeSH D009386, MONDO:0015356.
Hereditary breast ovarian cancer syndrome. Also called: BRCA1- and BRCA2-Associated Hereditary Breast and Ovarian Cancer; Hereditary breast and/or ovarian cancer syndrome; Hereditary breast and ovarian cancer syndrome; Hereditary breast and ovarian cancer syndrome (HBOC); Hereditary breast and ovarian cancer; Breast and ovarian cancer. Identifiers: Orphanet 145, MedGen C0677776, MeSH D061325, MONDO:0003582. Disease mechanism: loss of function.
Inherited ovarian cancer (without breast cancer).
BRCA2-related cancer predisposition. Identifiers: MedGen CN377758, MONDO:0700269.
Breast-ovarian cancer, familial, susceptibility to, 2 (BROVCA2). Also called: BRCA2 Hereditary Breast and Ovarian Cancer. Identifiers: Orphanet 145, MedGen C2675520, MONDO:0012933, OMIM 612555. Disease mechanism: loss of function.
Familial cancer of breast. Also called: Hereditary breast cancer; hereditary breast carcinoma; BREAST CANCER, FAMILIAL. Identifiers: Orphanet 227535, MedGen C0346153, MONDO:0016419, OMIM 114480. Disease mechanism: loss of function.

Allele frequency attached by ClinVar (database versions not stated): gnomAD exomes below 0.00001; TOPMed below 0.00001; ExAC 0.00001.

Submissions (15):

Evidence-based Network for the Interpretation of Germline Mutant Alleles (ENIGMA)
Classification: Pathogenic for Breast-ovarian cancer, familial, susceptibility to, 2. Last evaluated: 2016-04-22. Review status: reviewed by expert panel. Criteria: ENIGMA BRCA1/2 Classification Criteria (2015). Collection method: curation. Allele origin: germline.
Comment: Variant allele predicted to encode a truncated non-functional protein.

Cambridge Genomics Laboratory, East Genomic Laboratory Hub, NHS Genomic Medicine Service
Classification: Pathogenic for Inherited prostate cancer. Last evaluated: 2026-09-16. Review status: criteria provided, single submitter. Criteria: ACGS Best Practice Guidelines for Variant Classification in Rare Disease 2020. Collection method: clinical testing. Allele origin: germline. Affected: yes. Not counted in ClinVar's aggregate classification.
Comment: PVS1,PS4_Very Strong,PM2_Supporting,PM5_Strong

Genomics and Molecular Medicine Service, East Genomic Laboratory Hub, NHS Genomic Medicine Service
Classification: Pathogenic for Inherited ovarian cancer (without breast cancer). Last evaluated: 2026-05-06. Review status: criteria provided, single submitter. Criteria: ACGS Best Practice Guidelines for Variant Classification in Rare Disease 2020. Collection method: clinical testing. Allele origin: germline. Affected: yes. Not counted in ClinVar's aggregate classification.
Comment: PVS1,PM2_Supporting,PM5_Strong

GeneDx
Classification: Pathogenic. Last evaluated: 2025-05-27. Review status: criteria provided, single submitter. Criteria: GeneDx Variant Classification Process June 2021. Collection method: clinical testing. Allele origin: germline. Affected: yes. Not counted in ClinVar's aggregate classification.
Comment: Frameshift variant predicted to result in protein truncation or nonsense mediated decay in a gene for which loss of function is a known mechanism of disease; Not observed at significant frequency in large population cohorts (gnomAD); Truncating variants in this gene are considered pathogenic by a well-established clinical consortium and/or database; Also known as 6763_6764insA; This variant is associated with the following publications: (PMID: 26586665, 18703817, 30720243, 27356891, 29446198, 33471991, 34022715, 39845416, 36781323, 36169650, 29909963, 29371908, 34657373, 29922827)

Labcorp Genetics (formerly Invitae), Labcorp
Classification: Pathogenic for Hereditary breast ovarian cancer syndrome. Last evaluated: 2025-03-05. Review status: criteria provided, single submitter. Criteria: Invitae Variant Classification Sherloc (09022015). Collection method: clinical testing. Allele origin: germline. Not counted in ClinVar's aggregate classification.
Comment: This sequence change creates a premature translational stop signal (p.Val2179Aspfs*10) in the BRCA2 gene. It is expected to result in an absent or disrupted protein product. Loss-of-function variants in BRCA2 are known to be pathogenic (PMID: 20104584). This variant is present in population databases (rs80359601, gnomAD 0.0009%). This premature translational stop signal has been observed in individual(s) with breast and/or ovarian cancer and colorectal cancer (PMID: 18703817, 27356891, 29371908, 29446198). This variant is also known as 6763insA. ClinVar contains an entry for this variant (Variation ID: 38050). For these reasons, this variant has been classified as Pathogenic.

Color Diagnostics, LLC DBA Color Health
Classification: Pathogenic for Hereditary cancer-predisposing syndrome. Last evaluated: 2024-12-16. Review status: criteria provided, single submitter. Criteria: ACMG Guidelines, 2015. Collection method: clinical testing. Allele origin: germline. Not counted in ClinVar's aggregate classification.
Comment: This variant inserts 1 nucleotide in exon 11 of the BRCA2 gene, creating a frameshift and premature translation stop signal. This variant is expected to result in an absent or non-functional protein product. This variant has been reported in over 10 individuals and families affected with breast and/or ovarian cancer (PMID: 18703817, 26586665, 29371908, 29446198). This variant has been identified in 1/243430 chromosomes in the general population by the Genome Aggregation Database (gnomAD). Loss of BRCA2 function is a known mechanism of disease. Based on the available evidence, this variant is classified as Pathogenic.

Ambry Genetics
Classification: Pathogenic for Hereditary cancer-predisposing syndrome. Last evaluated: 2024-10-17. Review status: criteria provided, single submitter. Criteria: Ambry Variant Classification Scheme 2023. Collection method: clinical testing. Allele origin: germline. Not counted in ClinVar's aggregate classification.
Comment: The c.6535_6536insA pathogenic mutation, located in coding exon 10 of the BRCA2 gene, results from an insertion of one nucleotide at position 6535, causing a translational frameshift with a predicted alternate stop codon (p.V2179Dfs*10). This variant has been identified multiple breast/ovarian cancer families (Palma MD et al. Cancer Res, 2008 Sep;68:7006-14; Rebbeck TR et al. Hum Mutat, 2018 05;39:593-620). In addition to the clinical data presented in the literature, this alteration is expected to result in loss of function by premature protein truncation or nonsense-mediated mRNA decay. As such, this alteration is interpreted as a disease-causing mutation.

Baylor Genetics
Classification: Pathogenic for Familial cancer of breast. Last evaluated: 2023-06-06. Review status: criteria provided, single submitter. Criteria: ACMG Guidelines, 2015. Collection method: clinical testing. Allele origin: unknown. Not counted in ClinVar's aggregate classification.

Quest Diagnostics Nichols Institute San Juan Capistrano
Classification: Pathogenic. Last evaluated: 2023-01-19. Review status: criteria provided, single submitter. Criteria: Quest Diagnostics criteria. Collection method: clinical testing. Allele origin: unknown. Not counted in ClinVar's aggregate classification.
Comment: This frameshift variant alters the translational reading frame of the BRCA2 mRNA and causes the premature termination of BRCA2 protein synthesis. The frequency of this variant in the general population, 0.0000041 (1/243430 chromosomes), is consistent with pathogenicity. In the published literature, the variant has been reported in individuals with ovarian cancer (PMID: 34657373 (2022)), bladder cancer (PMID: 29909963 (2018)), and colorectal cancer (PMID: 27356891 (2016)). It has also been reported in world-wide screen of BRCA1/BRCA2 mutation carriers (PMID: 29446198 (2018)). Based on the available information, this variant is classified as pathogenic.

Department of Pathology and Laboratory Medicine, Sinai Health System
Classification: Pathogenic for BRCA2-related cancer predisposition. Last evaluated: 2022-09-09. Review status: criteria provided, single submitter. Criteria: ACMG Guidelines, 2015. Collection method: clinical testing. Allele origin: germline. Affected: no. Not counted in ClinVar's aggregate classification.

Academic Department of Medical Genetics, University of Cambridge
Classification: Likely pathogenic for Hereditary cancer-predisposing syndrome. Last evaluated: 2018-01-26. Review status: criteria provided, single submitter. Criteria: ACMG Guidelines, 2015. Collection method: research. Allele origin: germline. Affected: yes. Observed: 1 heterozygote. Not counted in ClinVar's aggregate classification.
Comment: Application of AMCG guidelines 2015. Used other ClinVar submission evidence where relevant. Loss of heterozygosity in tumours or immunohistochemistry abnormalities considered functional evidence of pathogenicity.

Identified as part of research study of individuals with multiple primary tumours referred for genetic assessment

Consortium of Investigators of Modifiers of BRCA1/2 (CIMBA), c/o University of Cambridge
Classification: Pathogenic for Breast-ovarian cancer, familial, susceptibility to, 2. Last evaluated: 2015-10-02. Review status: criteria provided, single submitter. Criteria: CIMBA Mutation Classification guidelines May 2016. Collection method: clinical testing. Allele origin: germline. Not counted in ClinVar's aggregate classification.

Research Molecular Genetics Laboratory, Women's College Hospital, University of Toronto
Classification: Pathogenic for Hereditary breast ovarian cancer syndrome. Last evaluated: 2014-01-31. Review status: no assertion criteria provided. Collection method: research. Allele origin: germline. Affected: yes. Study: The Canadian Open Genetics Repository (COGR). Not counted in ClinVar's aggregate classification.

Sharing Clinical Reports Project (SCRP)
Classification: Pathogenic for Breast-ovarian cancer, familial 2. Last evaluated: 2009-04-15. Review status: no assertion criteria provided. Collection method: clinical testing. Allele origin: germline. Not counted in ClinVar's aggregate classification.

Breast Cancer Information Core (BIC) (BRCA2)
Classification: Pathogenic for Breast-ovarian cancer, familial 2. Last evaluated: 2002-05-29. Review status: no assertion criteria provided. Collection method: clinical testing. Allele origin: germline. Affected: yes. Observed: 3 variant alleles. Not counted in ClinVar's aggregate classification.

Literature cited by the submitters: PubMed 20104584 (cited by Labcorp Genetics (formerly Invitae), Labcorp); PubMed 18703817 (cited by 5 submitters); PubMed 27356891 (cited by Labcorp Genetics (formerly Invitae), Labcorp and Quest Diagnostics Nichols Institute San Juan Capistrano); PubMed 29371908 (cited by Labcorp Genetics (formerly Invitae), Labcorp and Color Diagnostics, LLC DBA Color Health); PubMed 29446198 (cited by 4 submitters); PubMed 26586665 (cited by Color Diagnostics, LLC DBA Color Health); PubMed 34657373 (cited by Quest Diagnostics Nichols Institute San Juan Capistrano); PubMed 29922827 (cited by Quest Diagnostics Nichols Institute San Juan Capistrano); PubMed 30720243 (cited by Quest Diagnostics Nichols Institute San Juan Capistrano); PubMed 29909963 (cited by Quest Diagnostics Nichols Institute San Juan Capistrano); PubMed 33471991 (cited by Department of Pathology and Laboratory Medicine, Sinai Health System).

NM_000059.4(BRCA2):c.6535_6536insA (p.Val2179fs)

Gene: BRCA2 (BRCA2 DNA repair associated; plus strand). Cytogenetic location: 13q13.1.
Variant type: Insertion.
Coding change: c.6535_6536insA on transcript NM_000059.4 (MANE Select); coding-DNA positions 6535 to 6536, A inserted.
Protein change: p.Val2179fs; shifts the reading frame from valine 2179.
Molecular consequence: frameshift variant.
Genome position: GRCh38 VCF-style: chr13-32340890-G-GA. GRCh37 (hg19) VCF-style: chr13-32915027-G-GA.
Other names: 6763_6764insA; 6763insA; short protein forms V2179fs.
Identifiers: ClinVar variation 38050 (VCV000038050.27), dbSNP rs80359601, ClinGen allele CA024147.
Genomic context (GRCh38, chr13:32,340,890, plus strand): 5'-CAACAAGACAAACAACAGTTGGTATTAGGAACCAAAGTGTCACTTGTTGAGAACATTCAT[G>GA]TTTTGGGAAAAGAACAGGCTTCACCTAAAAACGTAAAAATGGAAATTGGTAAAACTGAAA-3'